The following is an entry in ClinVar:

NM_001267727.2(ARSG):c.1234G>A (p.Gly412Arg)

Gene: ARSG (arylsulfatase G; plus strand). Cytogenetic location: 17q24.2.
Variant type: single nucleotide variant.
Coding change: c.1234G>A on transcript NM_001267727.2 (MANE Select); coding-DNA position 1234, G replaced by A.
Protein change: p.Gly412Arg; replaces glycine 412 with arginine.
Molecular consequence: missense variant.
Genome position (GRCh38, 1-based): chr17:68,401,381, G>A. VCF-style: chr17-68401381-G-A. GRCh37 (hg19) VCF-style: chr17-66397522-G-A.
Other names: c.1234G>A, p.Gly412Arg (NM_001352899.2, NM_001352900.2, NM_001352901.2 and 3 more transcripts); c.1231G>A, p.Gly411Arg (NM_001352903.2, NM_001352904.2, NM_001352905.2 and 2 more transcripts); c.1186G>A, p.Gly396Arg (NM_001352909.2); short protein forms G396R, G412R, G411R.
Identifiers: ClinVar variation 3005499 (VCV003005499.3), dbSNP rs942649673, ClinGen allele CA293284842.

ClinVar aggregate classification (germline): Uncertain significance (1 of 4 stars; one submission).

Allele frequency attached by ClinVar (database versions not stated): gnomAD 0.00001; gnomAD exomes 0.00001; TOPMed 0.00001.
gnomAD v4.1: 11 of 1,613,832 alleles (0.00068%); highest among the groups gnomAD compares: African/African-American, 0.0027%; no homozygotes.

Submission:

Labcorp Genetics (formerly Invitae), Labcorp
Classification: Uncertain significance. Last evaluated: 2023-04-05. Review status: criteria provided, single submitter. Criteria: Invitae Variant Classification Sherloc (09022015). Collection method: clinical testing. Allele origin: germline.
Comment: In summary, the available evidence is currently insufficient to determine the role of this variant in disease. Therefore, it has been classified as a Variant of Uncertain Significance. An algorithm developed to predict the effect of missense changes on protein structure and function (PolyPhen-2) suggests that this variant is likely to be disruptive. This variant has not been reported in the literature in individuals affected with ARSG-related conditions. This variant is present in population databases (no rsID available, gnomAD 0.007%). This sequence change replaces glycine, which is neutral and non-polar, with arginine, which is basic and polar, at codon 412 of the ARSG protein (p.Gly412Arg).